The following is an entry in ClinVar:

NM_004260.4(RECQL4):c.1647G>C (p.Lys549Asn)

Gene: RECQL4 (RecQ like helicase 4; minus strand). Cytogenetic location: 8q24.3.
Variant type: single nucleotide variant.
Coding change: c.1647G>C on transcript NM_004260.4 (MANE Select); coding-DNA position 1647, G replaced by C.
Protein change: p.Lys549Asn; replaces lysine 549 with asparagine.
Molecular consequence: missense variant.
Genome position (GRCh38, 1-based): chr8:144,514,499, C>G on the plus strand (G>C on the coding strand, the complement: RECQL4 is on the minus strand). VCF-style: chr8-144514499-C-G. GRCh37 (hg19) VCF-style: chr8-145739883-C-G.
Other names: short protein forms K549N.
Identifiers: ClinVar variation 660889 (VCV000660889.6), dbSNP rs371972881, ClinGen allele CA372683011.

ClinVar aggregate classification (germline): Uncertain significance. Review status: criteria provided, multiple submitters, no conflicts (2 of 4 stars). 2 submissions from 2 submitters: Uncertain significance (2). Last evaluated 2024-12-16.

Conditions:
Baller-Gerold syndrome (BGS). Also called: CRANIOSYNOSTOSIS WITH RADIAL DEFECTS. Identifiers: Orphanet 1225, MedGen C0265308, MONDO:0009039, OMIM 218600.
Inborn genetic diseases. Identifiers: MedGen C0950123, MeSH D030342.

gnomAD v4.1: 13 of 1,612,144 alleles (0.00081%); highest among the groups gnomAD compares: Non-Finnish European, 0.001%; no homozygotes.

Submissions (2):

Ambry Genetics
Classification: Uncertain significance for Inborn genetic diseases. Last evaluated: 2024-12-16. Review status: criteria provided, single submitter. Criteria: Ambry Variant Classification Scheme 2023. Collection method: clinical testing. Allele origin: germline.
Comment: The p.K549N variant (also known as c.1647G>C), located in coding exon 10 of the RECQL4 gene, results from a G to C substitution at nucleotide position 1647. The lysine at codon 549 is replaced by asparagine, an amino acid with similar properties. This amino acid position is conserved. In addition, this alteration is predicted to be tolerated by in silico analysis. Based on the available evidence, the clinical significance of this variant remains unclear.

Labcorp Genetics (formerly Invitae), Labcorp
Classification: Uncertain significance for Baller-Gerold syndrome. Last evaluated: 2023-11-07. Review status: criteria provided, single submitter. Criteria: Invitae Variant Classification Sherloc (09022015). Collection method: clinical testing. Allele origin: germline.
Comment: This sequence change replaces lysine, which is basic and polar, with asparagine, which is neutral and polar, at codon 549 of the RECQL4 protein (p.Lys549Asn). This variant is present in population databases (no rsID available, gnomAD 0.0009%). This variant has not been reported in the literature in individuals affected with RECQL4-related conditions. ClinVar contains an entry for this variant (Variation ID: 660889). Advanced modeling of protein sequence and biophysical properties (such as structural, functional, and spatial information, amino acid conservation, physicochemical variation, residue mobility, and thermodynamic stability) performed at Invitae indicates that this missense variant is not expected to disrupt RECQL4 protein function with a negative predictive value of 80%. In summary, the available evidence is currently insufficient to determine the role of this variant in disease. Therefore, it has been classified as a Variant of Uncertain Significance.